The following is an entry in ClinVar:

NM_001379500.1(COL18A1):c.1765G>T (p.Gly589Ter)

Gene: COL18A1 (collagen type XVIII alpha 1 chain; plus strand). Cytogenetic location: 21q22.3.
Variant type: single nucleotide variant.
Coding change: c.1765G>T on transcript NM_001379500.1 (MANE Select); coding-DNA position 1765, G replaced by T.
Protein change: p.Gly589Ter; replaces glycine 589 with a stop codon.
Molecular consequence: nonsense.
Genome position (GRCh38, 1-based): chr21:45,486,924, G>T. VCF-style: chr21-45486924-G-T. GRCh37 (hg19) VCF-style: chr21-46906838-G-T.
Other names: c.2305G>T, p.Gly769Ter (NM_030582.4); c.3010G>T, p.Gly1004Ter (NM_130444.3); short protein forms G1004*, G589*, G769*.
Identifiers: ClinVar variation 2025636 (VCV002025636.4), dbSNP rs906225803, ClinGen allele CA410496270.
Genomic context (GRCh38, chr21:45,486,924, plus strand): 5'-AGCAAGGGAGCCCCCGGTCCTGCTGGTGCTCGTGGGGAGAGCGGCCTGGCAGGAGCCCCC[G>T]GACCTGCTGGACCACCAGGCCCCCCTGGGCCCCCTGGGCCCCCAGGACCAGGACTCCCCG-3'

ClinVar aggregate classification (germline): Pathogenic (1 of 4 stars; one submission).

Submission:

Labcorp Genetics (formerly Invitae), Labcorp
Classification: Pathogenic. Last evaluated: 2026-01-26. Review status: criteria provided, single submitter. Criteria: Invitae Variant Classification Sherloc (09022015). Collection method: clinical testing. Allele origin: germline.
Comment: This sequence change creates a premature translational stop signal (p.Gly589*) in the COL18A1 gene. It is expected to result in an absent or disrupted protein product. Loss-of-function variants in COL18A1 are known to be pathogenic (PMID: 12415512, 25456301). This variant is not present in population databases (gnomAD no frequency). This variant has not been reported in the literature in individuals affected with COL18A1-related conditions. ClinVar contains an entry for this variant (Variation ID: 2025636). For these reasons, this variant has been classified as Pathogenic.

Literature cited by the submitters: PubMed 12415512; PubMed 25456301.